The following is an entry in ClinVar:

NM_005120.3(MED12):c.2294A>T (p.Asp765Val)

Gene: MED12 (mediator complex subunit 12; plus strand). Cytogenetic location: Xq13.1.
Variant type: single nucleotide variant.
Coding change: c.2294A>T on transcript NM_005120.3 (MANE Select); coding-DNA position 2294, A replaced by T.
Protein change: p.Asp765Val; replaces aspartic acid 765 with valine.
Molecular consequence: missense variant.
Genome position (GRCh38, 1-based): chrX:71,125,418, A>T. VCF-style: chrX-71125418-A-T. GRCh37 (hg19) VCF-style: chrX-70345268-A-T.
Other names: short protein forms D765V.
Identifiers: ClinVar variation 917620 (VCV000917620.7), dbSNP rs1243443016, ClinGen allele CA413511929.

ClinVar aggregate classification (germline): Uncertain significance. Review status: criteria provided, multiple submitters, no conflicts (2 of 4 stars). 3 submissions from 3 submitters: Uncertain significance (3). Last evaluated 2023-10-16.

gnomAD v4.1: 2 of 1,210,538 alleles (0.00017%); no homozygotes.

Submissions (3):

GeneDx
Classification: Uncertain significance. Last evaluated: 2023-10-16. Review status: criteria provided, single submitter. Criteria: GeneDx Variant Classification Process June 2021. Collection method: clinical testing. Allele origin: germline. Affected: yes.
Comment: Not observed at significant frequency in large population cohorts (gnomAD); In silico analysis supports that this missense variant has a deleterious effect on protein structure/function; Has not been previously published as pathogenic or benign to our knowledge

Women's Health and Genetics/Laboratory Corporation of America, LabCorp
Classification: Uncertain significance. Last evaluated: 2021-04-08. Review status: criteria provided, single submitter. Criteria: LabCorp Variant Classification Summary - May 2015. Collection method: clinical testing. Allele origin: germline.
Comment: Variant summary: MED12 c.2294A>T (p.Asp765Val) results in a non-conservative amino acid change in the encoded protein sequence. Four of five in-silico tools predict a damaging effect of the variant on protein function. The variant was absent in 181394 control chromosomes. The available data on variant occurrences in the general population are insufficient to allow any conclusion about variant significance. To our knowledge, no occurrence of c.2294A>T in individuals affected with MED12-Related Disorders and no experimental evidence demonstrating its impact on protein function have been reported. No clinical diagnostic laboratories have submitted clinical-significance assessments for this variant to ClinVar after 2014. Based on the evidence outlined above, the variant was classified as uncertain significance.

Genetic Services Laboratory, University of Chicago
Classification: Uncertain significance. Last evaluated: 2018-02-10. Review status: criteria provided, single submitter. Criteria: ACMG Guidelines, 2015. Collection method: clinical testing. Allele origin: germline. Affected: no.